The following is an entry in ClinVar:

ClinVar aggregate classification (germline): Likely benign. Review status: criteria provided, multiple submitters, no conflicts (2 of 4 stars). 2 submissions from 2 submitters: Likely benign (2). Last evaluated 2025-11-11.

Conditions:
Autosomal recessive limb-girdle muscular dystrophy type 2J (LGMDR10). Also called: Limb-girdle muscular dystrophy, type 2J; MUSCULAR DYSTROPHY, LIMB-GIRDLE, AUTOSOMAL RECESSIVE 10. Identifiers: Orphanet 140922, MedGen C1837342, MONDO:0012127, OMIM 608807.
Dilated cardiomyopathy 1G (CMD1G). Identifiers: Orphanet 154, MedGen C1858763, MONDO:0011400, OMIM 604145.

Allele frequency attached by ClinVar (database versions not stated): ExAC 0.00001; gnomAD exomes 0.00001; TOPMed 0.00002; gnomAD 0.00003; ESP Exome Variant Server 0.00008.
gnomAD v4.1: 46 of 1,613,060 alleles (0.0029%); highest among the groups gnomAD compares: Non-Finnish European, 0.0036%; no homozygotes.

Submissions (2):

Labcorp Genetics (formerly Invitae), Labcorp
Classification: Likely benign for Dilated cardiomyopathy 1G; Autosomal recessive limb-girdle muscular dystrophy type 2J. Last evaluated: 2025-11-11. Review status: criteria provided, single submitter. Criteria: Invitae Variant Classification Sherloc (09022015). Collection method: clinical testing. Allele origin: germline.

GeneDx
Classification: Likely benign. Last evaluated: 2016-12-07. Review status: criteria provided, single submitter. Criteria: GeneDx Variant Classification (06012015). Collection method: clinical testing. Allele origin: germline. Affected: yes.
Comment: This variant is considered likely benign or benign based on one or more of the following criteria: it is a conservative change, it occurs at a poorly conserved position in the protein, it is predicted to be benign by multiple in silico algorithms, and/or has population frequency not consistent with disease.

NM_001267550.2(TTN):c.42946+11C>T

Gene: TTN (titin; minus strand). Cytogenetic location: 2q31.2.
Variant type: single nucleotide variant.
Coding change: c.42946+11C>T on transcript NM_001267550.2 (MANE Select); 11 bases into the intron after coding-DNA position 42946, C replaced by T.
Molecular consequence: intron variant.
Genome position (GRCh38, 1-based): chr2:178,633,402, G>A on the plus strand (C>T on the coding strand, the complement: TTN is on the minus strand). VCF-style: chr2-178633402-G-A. GRCh37 (hg19) VCF-style: chr2-179498129-G-A.
Other names: c.38023+11C>T (NM_001256850.1); c.15751+11C>T (NM_003319.4); c.16327+11C>T (NM_133437.4); c.16126+11C>T (NM_133432.3); c.35242+11C>T (NM_133378.4).
Identifiers: ClinVar variation 391637 (VCV000391637.2), dbSNP rs372909189, ClinGen allele CA1995985.